The following is an entry in ClinVar:

NM_002769.5(PRSS1):c.200C>T (p.Ser67Phe)

Genes: TRB (T cell receptor beta locus; plus strand), PRSS1 (serine protease 1; plus strand). Cytogenetic location: 7q34.
Variant type: single nucleotide variant.
Coding change: c.200C>T on transcript NM_002769.5 (MANE Select); coding-DNA position 200, C replaced by T.
Protein change: p.Ser67Phe; replaces serine 67 with phenylalanine.
Molecular consequence: missense variant.
Genome position (GRCh38, 1-based): chr7:142,750,714, C>T. VCF-style: chr7-142750714-C-T. GRCh37 (hg19) VCF-style: chr7-142458565-C-T.
Other names: short protein forms S67F.
Identifiers: ClinVar variation 811811 (VCV000811811.18), dbSNP rs765342413, ClinGen allele CA4529709.

ClinVar aggregate classification (germline): Uncertain significance. Review status: criteria provided, multiple submitters, no conflicts (2 of 4 stars). 4 submissions from 4 submitters: Uncertain significance (4). Last evaluated 2025-05-13.

Conditions:
Hereditary pancreatitis (PCTT). Also called: PRSS1-Related Hereditary Pancreatitis; Hereditary chronic pancreatitis. Identifiers: Orphanet 676, MedGen C0238339, MONDO:0008185, OMIM 167800.

Allele frequency attached by ClinVar (database versions not stated): gnomAD exomes 0.00001 and 0.00002; ExAC 0.00002; gnomAD 0.00003.
gnomAD v4.1: 25 of 1,613,660 alleles (0.0015%); highest among the groups gnomAD compares: African/African-American, 0.0053%; no homozygotes.

Submissions (4):

Labcorp Genetics (formerly Invitae), Labcorp
Classification: Uncertain significance for Hereditary pancreatitis. Last evaluated: 2025-05-13. Review status: criteria provided, single submitter. Criteria: Invitae Variant Classification Sherloc (09022015). Collection method: clinical testing. Allele origin: germline.
Comment: This sequence change replaces serine, which is neutral and polar, with phenylalanine, which is neutral and non-polar, at codon 67 of the PRSS1 protein (p.Ser67Phe). The frequency data for this variant in the population databases is considered unreliable, as metrics indicate poor data quality at this position in the gnomAD database. This variant has not been reported in the literature in individuals affected with PRSS1-related conditions. ClinVar contains an entry for this variant (Variation ID: 811811). An algorithm developed to predict the effect of missense changes on protein structure and function (PolyPhen-2) suggests that this variant is likely to be tolerated. In summary, the available evidence is currently insufficient to determine the role of this variant in disease. Therefore, it has been classified as a Variant of Uncertain Significance.

Ambry Genetics
Classification: Uncertain significance for Hereditary pancreatitis. Last evaluated: 2024-11-22. Review status: criteria provided, single submitter. Criteria: Ambry Variant Classification Scheme 2023. Collection method: clinical testing. Allele origin: germline.
Comment: The p.S67F variant (also known as c.200C>T), located in coding exon 2 of the PRSS1 gene, results from a C to T substitution at nucleotide position 200. The serine at codon 67 is replaced by phenylalanine, an amino acid with highly dissimilar properties. This amino acid position is not well conserved in available vertebrate species. In addition, the in silico prediction for this alteration is inconclusive. Based on the available evidence, the clinical significance of this variant remains unclear.

Women's Health and Genetics/Laboratory Corporation of America, LabCorp
Classification: Uncertain significance. Last evaluated: 2022-08-05. Review status: criteria provided, single submitter. Criteria: LabCorp Variant Classification Summary - May 2015. Collection method: clinical testing. Allele origin: germline.
Comment: Variant summary: PRSS1 c.200C>T (p.Ser67Phe) results in a non-conservative amino acid change located in the Serine proteases, trypsin domain (IPR001254) of the encoded protein sequence. Four of five in-silico tools predict a damaging effect of the variant on protein function. 4/4 computational tools predict no significant impact on normal splicing. However, these predictions have yet to be confirmed by functional studies. The variant allele was found at a frequency of 1.6e-05 in 251096 control chromosomes (gnomAD). The available data on variant occurrences in the general population are insufficient to allow any conclusion about variant significance. c.200C>T has been reported in the literature in at-least one individual reported with breast cancer (example: Huang_2018). This report does not provide unequivocal conclusions about association of the variant with Chronic Pancreatitis Risk. To our knowledge, no experimental evidence demonstrating an impact on protein function has been reported. Two clinical diagnostic laboratories have submitted clinical-significance assessments for this variant to ClinVar after 2014 and classified the variant as uncertain significance. Based on the evidence outlined above, the variant was classified as uncertain significance.

ARUP Laboratories, Molecular Genetics and Genomics, ARUP Laboratories
Classification: Uncertain significance. Last evaluated: 2018-11-03. Review status: criteria provided, single submitter. Criteria: ARUP Molecular Germline Variant Investigation Process. Collection method: clinical testing. Allele origin: germline.
Comment: The PRSS1 c.200C>T; p.Ser67Phe (rs765342413), to our knowledge, is not reported in the medical literature or gene specific databases. This variant is found on only four chromosomes in the Genome Aggregation Database, indicating it is not a common polymorphism. The serine at codon 67 is highly conserved, but computational analyses (SIFT: damaging, PolyPhen-2: benign) predict conflicting effects of this variant on protein structure/function. Due to limited information, the clinical significance of the p.Ser67Phe variant is uncertain at this time.

Literature cited by the submitters: PubMed 29625052 (cited by Women's Health and Genetics/Laboratory Corporation of America, LabCorp).